The following is an entry in ClinVar:

NM_001395413.1(POR):c.893G>A (p.Arg298His)

Genes: POR (cytochrome p450 oxidoreductase; plus strand), LOC126860075 (CDK7 strongly-dependent group 2 enhancer GRCh37_chr7:75612087-75613286; plus strand). Cytogenetic location: 7q11.23.
Variant type: single nucleotide variant.
Coding change: c.893G>A on transcript NM_001395413.1 (MANE Select); coding-DNA position 893, G replaced by A.
Protein change: p.Arg298His; replaces arginine 298 with histidine.
Molecular consequence: missense variant.
Genome position (GRCh38, 1-based): chr7:75,983,591, G>A. VCF-style: chr7-75983591-G-A. GRCh37 (hg19) VCF-style: chr7-75612909-G-A.
Other names: c.893G>A, p.Arg298His (NM_001367562.3, NM_001382657.2, NM_001382658.3 and 2 more transcripts); c.947G>A, p.Arg316His (NM_001382655.3); short protein forms R298H, R316H.
Identifiers: ClinVar variation 1412990 (VCV001412990.5), dbSNP rs782125318, ClinGen allele CA4303888.

ClinVar aggregate classification (germline): Uncertain significance (1 of 4 stars; one submission).

Conditions:
Congenital adrenal hyperplasia due to cytochrome P450 oxidoreductase deficiency. Also called: DISORDERED STEROIDOGENESIS DUE TO POR DEFICIENCY. Identifiers: Orphanet 95699, MedGen C1860042, MONDO:0013310, OMIM 613571.

Allele frequency attached by ClinVar (database versions not stated): gnomAD exomes 0.00001 and 0.00002; TOPMed 0.00001; ExAC 0.00004.
gnomAD v4.1: 12 of 1,613,056 alleles (0.00074%); highest among the groups gnomAD compares: East Asian, 0.0067%; no homozygotes.

Submission:

Labcorp Genetics (formerly Invitae), Labcorp
Classification: Uncertain significance for Congenital adrenal hyperplasia due to cytochrome P450 oxidoreductase deficiency. Last evaluated: 2022-06-13. Review status: criteria provided, single submitter. Criteria: Invitae Variant Classification Sherloc (09022015). Collection method: clinical testing. Allele origin: germline.
Comment: This sequence change replaces arginine, which is basic and polar, with histidine, which is basic and polar, at codon 301 of the POR protein (p.Arg301His). This variant is present in population databases (rs782125318, gnomAD 0.006%). This variant has not been reported in the literature in individuals affected with POR-related conditions. Algorithms developed to predict the effect of missense changes on protein structure and function are either unavailable or do not agree on the potential impact of this missense change (SIFT: "Deleterious"; PolyPhen-2: "Benign"; Align-GVGD: "Class C25"). In summary, the available evidence is currently insufficient to determine the role of this variant in disease. Therefore, it has been classified as a Variant of Uncertain Significance.